The following is an entry in ClinVar:

ClinVar aggregate classification (germline): Benign (1 of 4 stars; one submission).

Conditions:
Orofacial cleft 6, susceptibility to (OFC6). Also called: CLEFT LIP WITH OR WITHOUT CLEFT PALATE, NONSYNDROMIC, 6. Identifiers: MedGen C1837213, MONDO:0012141, OMIM 608864.

Allele frequency attached by ClinVar (database versions not stated): gnomAD 0.00001; TOPMed 0.00002; ExAC 0.00003.

Submission:

Laboratorio de Biologia Experimental, Instituto Nacional de Pediatria, Mexico
Classification: Benign for Orofacial cleft 6, susceptibility to. Last evaluated: 2020-07-10. Review status: criteria provided, single submitter. Criteria: ACMG Guidelines, 2015. Collection method: case-control. Allele origin: inherited. Affected: yes. Observed: 9 variant alleles.
Comment: This variant was identified in three subjects diagnosed as non-syndromic cleft lip palate; two with unilateral right cleft lip and one with left cleft lip. None of these patients had a first degree relative affected. The subjects were included in a group of CL/P patients for genetic association study. The variant was consider Benign by its location and effect and also has been reported in healthy cohorts as gnomAD (3 alleles).

The individuals were diagnosed as case of non-Syndromic cleft lip palate, evidence suggest that this variant is not responsible of a syndromic form of orofacial cleft. In the study 172 individuals diagnosed as non-syndromic cleft lip palate.No first degree relatives of these patients were affected.

Literature cited by the submitters: DOI 10.1177/0022034516647034.

NM_006147.4(IRF6):c.509-41G>A

Gene: IRF6 (interferon regulatory factor 6; minus strand). Cytogenetic location: 1q32.2.
Variant type: single nucleotide variant.
Coding change: c.509-41G>A on transcript NM_006147.4 (MANE Select); 41 bases into the intron before coding-DNA position 509, G replaced by A.
Molecular consequence: intron variant.
Genome position (GRCh38, 1-based): chr1:209,792,468, C>T on the plus strand (G>A on the coding strand, the complement: IRF6 is on the minus strand). VCF-style: chr1-209792468-C-T. GRCh37 (hg19) VCF-style: chr1-209965813-C-T.
Other names: c.224-41G>A (NM_001206696.2).
Identifiers: ClinVar variation 981924 (VCV000981924.2), dbSNP rs771127913, ClinGen allele CA1377307.